The following is an entry in ClinVar:

NM_003079.5(SMARCE1):c.685C>T (p.Arg229Trp)

Gene: SMARCE1 (SWI/SNF related BAF chromatin remodeling complex subunit E1; minus strand). Cytogenetic location: 17q21.2.
Variant type: single nucleotide variant.
Coding change: c.685C>T on transcript NM_003079.5 (MANE Select); coding-DNA position 685, C replaced by T.
Protein change: p.Arg229Trp; replaces arginine 229 with tryptophan.
Molecular consequence: missense variant.
Genome position (GRCh38, 1-based): chr17:40,632,224, G>A on the plus strand (C>T on the coding strand, the complement: SMARCE1 is on the minus strand). VCF-style: chr17-40632224-G-A. GRCh37 (hg19) VCF-style: chr17-38788476-G-A.
Other names: short protein forms R229W.
Identifiers: ClinVar variation 2008621 (VCV002008621.5), dbSNP rs141619224, ClinGen allele CA290550300.

ClinVar aggregate classification (germline): Uncertain significance. Review status: criteria provided, multiple submitters, no conflicts (2 of 4 stars). 2 submissions from 2 submitters: Uncertain significance (2). Last evaluated 2025-12-10.

Conditions:
Hereditary cancer-predisposing syndrome. Also called: Tumor predisposition; Neoplastic Syndromes, Hereditary; Hereditary Cancer Syndrome; Hereditary neoplastic syndrome. Identifiers: Orphanet 140162, MedGen C0027672, MeSH D009386, MONDO:0015356.
Familial meningioma. Also called: Meningioma, familial, susceptibility to. Identifiers: Orphanet 263662, MedGen C3551915, MONDO:0011789, OMIM 607174.

Allele frequency attached by ClinVar (database versions not stated): gnomAD exomes below 0.00001; ESP Exome Variant Server 0.00008.
gnomAD v4.1: 1 of 1,613,374 alleles (0.000062%); highest among the groups gnomAD compares: Non-Finnish European, 0.000085%; no homozygotes.

Submissions (2):

Labcorp Genetics (formerly Invitae), Labcorp
Classification: Uncertain significance for Familial meningioma. Last evaluated: 2025-12-10. Review status: criteria provided, single submitter. Criteria: Invitae Variant Classification Sherloc (09022015). Collection method: clinical testing. Allele origin: germline.
Comment: This sequence change replaces arginine, which is basic and polar, with tryptophan, which is neutral and slightly polar, at codon 229 of the SMARCE1 protein (p.Arg229Trp). This variant is not present in population databases (gnomAD no frequency). This variant has not been reported in the literature in individuals affected with SMARCE1-related conditions. ClinVar contains an entry for this variant (Variation ID: 2008621). Invitae Evidence Modeling of protein sequence and biophysical properties (such as structural, functional, and spatial information, amino acid conservation, physicochemical variation, residue mobility, and thermodynamic stability) indicates that this missense variant is expected to disrupt SMARCE1 protein function with a positive predictive value of 80%. In summary, the available evidence is currently insufficient to determine the role of this variant in disease. Therefore, it has been classified as a Variant of Uncertain Significance.

Ambry Genetics
Classification: Uncertain significance for Hereditary cancer-predisposing syndrome. Last evaluated: 2025-11-21. Review status: criteria provided, single submitter. Criteria: Ambry Variant Classification Scheme 2023. Collection method: clinical testing. Allele origin: germline.
Comment: The p.R229W variant (also known as c.685C>T), located in coding exon 7 of the SMARCE1 gene, results from a C to T substitution at nucleotide position 685. The arginine at codon 229 is replaced by tryptophan, an amino acid with dissimilar properties. This amino acid position is highly conserved in available vertebrate species. In addition, this alteration is predicted to be deleterious by in silico analysis. Based on the available evidence, the clinical significance of this variant remains unclear.